The following is an entry in ClinVar:

NM_001384900.1(SEMA3D):c.58C>T (p.Pro20Ser)

Gene: SEMA3D (semaphorin 3D; minus strand). Cytogenetic location: 7q21.11.
Variant type: single nucleotide variant.
Coding change: c.58C>T on transcript NM_001384900.1 (MANE Select); coding-DNA position 58, C replaced by T.
Protein change: p.Pro20Ser; replaces proline 20 with serine.
Molecular consequence: missense variant.
Genome position (GRCh38, 1-based): chr7:85,121,834, G>A on the plus strand (C>T on the coding strand, the complement: SEMA3D is on the minus strand). VCF-style: chr7-85121834-G-A. GRCh37 (hg19) VCF-style: chr7-84751150-G-A.
Other names: c.58C>T, p.Pro20Ser (NM_001384901.1, NM_001384902.1, NM_001384903.1 and 1 more transcripts); short protein forms P20S.
Identifiers: ClinVar variation 3349201 (VCV003349201.1).

ClinVar aggregate classification (germline): Uncertain significance (0 of 4 stars; one submission).

Conditions:
SEMA3D-related disorder. Also called: SEMA3D-related condition.

gnomAD v4.1: 3 of 1,607,658 alleles (0.00019%); highest among the groups gnomAD compares: Non-Finnish European, 0.00025%; no homozygotes.

Submission:

PreventionGenetics, part of Exact Sciences
Classification: Uncertain significance for SEMA3D-related condition. Last evaluated: 2024-03-05. Review status: no assertion criteria provided. Collection method: clinical testing. Allele origin: germline.
Comment: The SEMA3D c.58C>T variant is predicted to result in the amino acid substitution p.Pro20Ser. To our knowledge, this variant has not been reported in the literature or in a large population database, indicating this variant is rare. At this time, the clinical significance of this variant is uncertain due to the absence of conclusive functional and genetic evidence.